The following is an entry in ClinVar:

ClinVar aggregate classification (germline): Pathogenic. Review status: criteria provided, multiple submitters, no conflicts (2 of 4 stars). 3 submissions from 3 submitters: Pathogenic (3). Last evaluated 2024-06-21.

Conditions:
Fanconi anemia complementation group O. Also called: RAD51C-Related Fanconi Anemia. Identifiers: Orphanet 84, MedGen C3150653, MONDO:0013248, OMIM 613390.
Hereditary cancer-predisposing syndrome. Also called: Tumor predisposition; Hereditary Cancer Syndrome; Hereditary neoplastic syndrome; Neoplastic Syndromes, Hereditary. Identifiers: Orphanet 140162, MedGen C0027672, MeSH D009386, MONDO:0015356.
Breast-ovarian cancer, familial, susceptibility to, 3. Also called: RAD51C-Related Breast/Ovarian Cancer. Identifiers: Orphanet 145, MedGen C3150659, MONDO:0013253, OMIM 613399.

Submissions (3):

Labcorp Genetics (formerly Invitae), Labcorp
Classification: Pathogenic for Fanconi anemia complementation group O. Last evaluated: 2024-06-21. Review status: criteria provided, single submitter. Criteria: Invitae Variant Classification Sherloc (09022015). Collection method: clinical testing. Allele origin: germline.
Comment: This sequence change creates a premature translational stop signal (p.Thr288Aspfs*5) in the RAD51C gene. It is expected to result in an absent or disrupted protein product. Loss-of-function variants in RAD51C are known to be pathogenic (PMID: 20400964, 21990120, 24800917, 29278735). This variant is not present in population databases (gnomAD no frequency). This variant has not been reported in the literature in individuals affected with RAD51C-related conditions. For these reasons, this variant has been classified as Pathogenic.

Ambry Genetics
Classification: Pathogenic for Hereditary cancer-predisposing syndrome. Last evaluated: 2024-04-10. Review status: criteria provided, single submitter. Criteria: Ambry Variant Classification Scheme 2023. Collection method: clinical testing. Allele origin: germline.
Comment: The c.858_861dupGACA pathogenic mutation, located in coding exon 6 of the RAD51C gene, results from a duplication of GACA at nucleotide position 858, causing a translational frameshift with a predicted alternate stop codon (p.T288Dfs*5). This variant is considered to be rare based on population cohorts in the Genome Aggregation Database (gnomAD). This alteration is expected to result in loss of function by premature protein truncation or nonsense-mediated mRNA decay. As such, this alteration is interpreted as a disease-causing mutation.

Myriad Genetics, Inc.
Classification: Pathogenic for Breast-ovarian cancer, familial, susceptibility to, 3. Last evaluated: 2024-01-17. Review status: criteria provided, single submitter. Criteria: Myriad Autosomal Dominant, Autosomal Recessive and X-Linked Classification Criteria (2023). Collection method: clinical testing. Allele origin: unknown.
Comment: This variant is considered pathogenic. This variant creates a frameshift predicted to result in premature protein truncation.

Literature cited by the submitters: PubMed 20400964 (cited by Labcorp Genetics (formerly Invitae), Labcorp); PubMed 21990120 (cited by Labcorp Genetics (formerly Invitae), Labcorp); PubMed 24800917 (cited by Labcorp Genetics (formerly Invitae), Labcorp); PubMed 29278735 (cited by Labcorp Genetics (formerly Invitae), Labcorp).

NM_058216.3(RAD51C):c.858_861dup (p.Thr288fs)

Gene: RAD51C (RAD51 paralog C; plus strand). Cytogenetic location: 17q22.
Variant type: Duplication.
Coding change: c.858_861dup on transcript NM_058216.3 (MANE Select); coding-DNA positions 858 to 861, 4 bases duplicated (GACA; older notation c.858_861dupGACA).
Protein change: p.Thr288fs; shifts the reading frame from threonine 288.
Molecular consequence: frameshift variant. On other transcripts: non-coding transcript variant (1).
Genome position (GRCh38, 1-based): chr17:58,720,766-58,720,769, GACA duplicated. VCF-style (leftmost placement, unchanged base first): chr17-58720765-T-TGACA. GRCh37 (hg19) VCF-style: chr17-56798126-T-TGACA.
Other names: c.858_861dupGACA (NM_058216.1); c.*286_*289dup (NM_058217.1); short protein forms T288fs.
Identifiers: ClinVar variation 3148679 (VCV003148679.4), dbSNP rs2509336958, ClinGen allele CA2825002570.